The following is an entry in ClinVar:

ClinVar aggregate classification (germline): Uncertain significance (1 of 4 stars; one submission).

gnomAD v4.1: 1 of 1,584,820 alleles (0.000063%); highest among the groups gnomAD compares: South Asian, 0.0011%; no homozygotes.

Submission:

Ambry Genetics
Classification: Uncertain significance. Last evaluated: 2024-04-14. Review status: criteria provided, single submitter. Criteria: Ambry Variant Classification Scheme 2023. Collection method: clinical testing. Allele origin: germline.
Comment: The p.A1550G variant (also known as c.4649C>G) is located in coding exon 34 of the MYOM1 gene. The alanine at codon 1550 is replaced by glycine, an amino acid with similar properties. This change occurs in the first base pair of coding exon 34. This amino acid position is conserved. In addition, this alteration is predicted to be tolerated by in silico analysis. Based on the available evidence, the clinical significance of this variant remains unclear.

NM_003803.4(MYOM1):c.4649C>G (p.Ala1550Gly)

Gene: MYOM1 (myomesin 1; minus strand). Cytogenetic location: 18p11.31.
Variant type: single nucleotide variant.
Coding change: c.4649C>G on transcript NM_003803.4 (MANE Select); coding-DNA position 4649, C replaced by G.
Protein change: p.Ala1550Gly; replaces alanine 1550 with glycine.
Molecular consequence: missense variant.
Genome position (GRCh38, 1-based): chr18:3,075,761, G>C on the plus strand (C>G on the coding strand, the complement: MYOM1 is on the minus strand). VCF-style: chr18-3075761-G-C. GRCh37 (hg19) VCF-style: chr18-3075759-G-C.
Other names: c.4361C>G, p.Ala1454Gly (NM_019856.2); short protein forms A1550G, A1454G.
Identifiers: ClinVar variation 3298025 (VCV003298025.1).